The following is an entry in ClinVar:

NM_024848.3(MORN1):c.111T>C (p.Phe37=)

Gene: MORN1 (MORN repeat containing 1; minus strand). Cytogenetic location: 1p36.32.
Variant type: single nucleotide variant.
Coding change: c.111T>C on transcript NM_024848.3 (MANE Select); coding-DNA position 111, T replaced by C.
Protein change: p.Phe37=; no amino-acid change (phenylalanine 37 retained).
Molecular consequence: synonymous variant.
Genome position (GRCh38, 1-based): chr1:2,389,962, A>G on the plus strand (T>C on the coding strand, the complement: MORN1 is on the minus strand). VCF-style: chr1-2389962-A-G. GRCh37 (hg19) VCF-style: chr1-2321401-A-G.
Other names: c.111T>C, p.Phe37= (NM_001301060.2).
Identifiers: ClinVar variation 4873062 (VCV004873062.2).

ClinVar aggregate classification (germline): Likely benign (1 of 4 stars; one submission).

gnomAD v4.1: 24 of 1,613,928 alleles (0.0015%); highest among the groups gnomAD compares: Non-Finnish European, 0.0019%; no homozygotes.

Submission:

CeGaT Center for Human Genetics Tuebingen
Classification: Likely benign. Last evaluated: 2026-06-01. Review status: criteria provided, single submitter. Criteria: CeGaT Center For Human Genetics Tuebingen Variant Classification Criteria Version 2. Collection method: clinical testing. Allele origin: germline. Affected: yes. Observed: 1 variant allele.
Comment: MORN1: BP4, BP7